The following is an entry in ClinVar:

ClinVar aggregate classification (germline): Uncertain significance (1 of 4 stars; one submission).

gnomAD v4.1: 1 of 1,611,372 alleles (0.000062%); highest among the groups gnomAD compares: South Asian, 0.0011%; no homozygotes.

Submission:

Ambry Genetics
Classification: Uncertain significance. Last evaluated: 2025-04-19. Review status: criteria provided, single submitter. Criteria: Ambry Variant Classification Scheme 2023. Collection method: clinical testing. Allele origin: germline.
Comment: The p.L225V variant (also known as c.673C>G), located in coding exon 5 of the GEN1 gene, results from a C to G substitution at nucleotide position 673. The leucine at codon 225 is replaced by valine, an amino acid with highly similar properties. This amino acid position is conserved. In addition, the in silico prediction for this alteration is inconclusive. Based on the available evidence, the clinical significance of this variant remains unclear.

NM_001130009.3(GEN1):c.673C>G (p.Leu225Val)

Gene: GEN1 (GEN1 Holliday junction 5' flap endonuclease; plus strand). Cytogenetic location: 2p24.2.
Variant type: single nucleotide variant.
Coding change: c.673C>G on transcript NM_001130009.3 (MANE Select); coding-DNA position 673, C replaced by G.
Protein change: p.Leu225Val; replaces leucine 225 with valine.
Molecular consequence: missense variant.
Genome position (GRCh38, 1-based): chr2:17,768,774, C>G. VCF-style: chr2-17768774-C-G. GRCh37 (hg19) VCF-style: chr2-17950041-C-G.
Other names: c.673C>G, p.Leu225Val (NM_182625.5); short protein forms L225V.
Identifiers: ClinVar variation 4029253 (VCV004029253.1).